The following is an entry in ClinVar:

NM_001283009.2(RTEL1):c.1282G>T (p.Asp428Tyr)

Genes: RTEL1 (regulator of telomere elongation helicase 1; plus strand), RTEL1-TNFRSF6B (RTEL1-TNFRSF6B readthrough (NMD candidate); plus strand). Cytogenetic location: 20q13.33.
Variant type: single nucleotide variant.
Coding change: c.1282G>T on transcript NM_001283009.2 (MANE Select); coding-DNA position 1282, G replaced by T.
Protein change: p.Asp428Tyr; replaces aspartic acid 428 with tyrosine.
Molecular consequence: missense variant. On other transcripts: non-coding transcript variant (1).
Genome position (GRCh38, 1-based): chr20:63,685,806, G>T. VCF-style: chr20-63685806-G-T. GRCh37 (hg19) VCF-style: chr20-62317159-G-T.
Other names: c.613G>T, p.Asp205Tyr (NM_001283010.1); c.1282G>T, p.Asp428Tyr (NM_016434.4); c.1354G>T, p.Asp452Tyr (NM_032957.5); short protein forms D205Y, D428Y, D452Y.
Identifiers: ClinVar variation 2941527 (VCV002941527.3), dbSNP rs758640195, ClinGen allele CA409675958.
Genomic context (GRCh38, chr20:63,685,806, plus strand): 5'-AGGACATGGGCGGGGCCTCCACACTCCTGGTCCTGTCCCCTCCAGGTGCACATCCATCCT[G>T]ATGCTGGTCACCGGAGGACGGCTCAGCGGTCTGATGCCTGGAGCACCACTGCAGCCAGAA-3'
Protein context (NP_001269938.1, residues 418-438): LQSYKVHIHP[Asp428Tyr]AGHRRTAQRS

ClinVar aggregate classification (germline): Uncertain significance (1 of 4 stars; one submission).

Conditions:
Dyskeratosis congenita, autosomal recessive 5 (DKCB5). Identifiers: MedGen C3554656, MONDO:0014076, OMIM 615190.
Pulmonary fibrosis and/or bone marrow failure, Telomere-related, 3. Also called: PULMONARY FIBROSIS AND/OR BONE MARROW FAILURE SYNDROME, TELOMERE-RELATED, 3. Identifiers: Orphanet 2032, MedGen C4225346, MONDO:0014613, OMIM 616373.

Submission:

Labcorp Genetics (formerly Invitae), Labcorp
Classification: Uncertain significance for Dyskeratosis congenita, autosomal recessive 5; Pulmonary fibrosis and/or bone marrow failure, Telomere-related, 3. Last evaluated: 2022-12-08. Review status: criteria provided, single submitter. Criteria: Invitae Variant Classification Sherloc (09022015). Collection method: clinical testing. Allele origin: germline.
Comment: This sequence change replaces aspartic acid, which is acidic and polar, with tyrosine, which is neutral and polar, at codon 428 of the RTEL1 protein (p.Asp428Tyr). This variant is not present in population databases (gnomAD no frequency). This variant has not been reported in the literature in individuals affected with RTEL1-related conditions. Algorithms developed to predict the effect of missense changes on protein structure and function are either unavailable or do not agree on the potential impact of this missense change (SIFT: "Deleterious"; PolyPhen-2: "Probably Damaging"; Align-GVGD: "Class C0"). In summary, the available evidence is currently insufficient to determine the role of this variant in disease. Therefore, it has been classified as a Variant of Uncertain Significance.